The following is an entry in ClinVar:

ClinVar aggregate classification (germline): Uncertain significance. Review status: criteria provided, multiple submitters, no conflicts (2 of 4 stars). 5 submissions from 5 submitters: Uncertain significance (5). Last evaluated 2024-08-23.

Conditions:
Aortic aneurysm, familial thoracic 4 (AAT4). Also called: AORTIC ANEURYSM/AORTIC DISSECTION AND PATENT DUCTUS ARTERIOSUS. Identifiers: MedGen C1851504, MONDO:0007568, OMIM 132900.
Familial thoracic aortic aneurysm and aortic dissection (TAAD). Also called: Thoracic aortic aneurysms and dissections. Identifiers: Orphanet 91387, MedGen C4707243, MONDO:0019625.

Allele frequency attached by ClinVar (database versions not stated): gnomAD exomes 0.00001 and 0.00002; ExAC 0.00002; gnomAD 0.00002; TOPMed 0.00002.
gnomAD v4.1: 24 of 1,614,002 alleles (0.0015%); highest among the groups gnomAD compares: African/African-American, 0.004%; no homozygotes.

Submissions (5):

Labcorp Genetics (formerly Invitae), Labcorp
Classification: Uncertain significance for Aortic aneurysm, familial thoracic 4. Last evaluated: 2024-08-23. Review status: criteria provided, single submitter. Criteria: Invitae Variant Classification Sherloc (09022015). Collection method: clinical testing. Allele origin: germline.
Comment: This sequence change replaces valine, which is neutral and non-polar, with methionine, which is neutral and non-polar, at codon 1394 of the MYH11 protein (p.Val1394Met). This variant is present in population databases (rs773946923, gnomAD 0.004%). This variant has not been reported in the literature in individuals affected with MYH11-related conditions. ClinVar contains an entry for this variant (Variation ID: 843816). Invitae Evidence Modeling of protein sequence and biophysical properties (such as structural, functional, and spatial information, amino acid conservation, physicochemical variation, residue mobility, and thermodynamic stability) indicates that this missense variant is not expected to disrupt MYH11 protein function with a negative predictive value of 95%. In summary, the available evidence is currently insufficient to determine the role of this variant in disease. Therefore, it has been classified as a Variant of Uncertain Significance.

Ambry Genetics
Classification: Uncertain significance for Familial thoracic aortic aneurysm and aortic dissection. Last evaluated: 2024-06-12. Review status: criteria provided, single submitter. Criteria: Ambry Variant Classification Scheme 2023. Collection method: clinical testing. Allele origin: germline.
Comment: The p.V1387M variant (also known as c.4159G>A), located in coding exon 30 of the MYH11 gene, results from a G to A substitution at nucleotide position 4159. The valine at codon 1387 is replaced by methionine, an amino acid with highly similar properties. This amino acid position is conserved. In addition, this alteration is predicted to be tolerated by in silico analysis. Based on the available evidence, the clinical significance of this variant remains unclear.

All of Us Research Program, National Institutes of Health
Classification: Uncertain significance for Familial thoracic aortic aneurysm and aortic dissection. Last evaluated: 2024-03-14. Review status: criteria provided, single submitter. Criteria: ACMG Guidelines, 2015. Collection method: clinical testing. Allele origin: germline. Inheritance: Autosomal dominant inheritance. Observed: 5 variant alleles, 5 heterozygotes.
Comment: This missense variant replaces valine with methionine at codon 1394 of the MYH11 protein. Computational prediction suggests that this variant may not impact protein structure and function (internally defined REVEL score threshold <= 0.5, PMID: 27666373). To our knowledge, functional studies have not been reported for this variant. This variant has not been reported in individuals affected with cardiovascular disorders in the literature. This variant has been identified in 5/282548 chromosomes in the general population by the Genome Aggregation Database (gnomAD). The available evidence is insufficient to determine the role of this variant in disease conclusively. Therefore, this variant is classified as a Variant of Uncertain Significance.

This study involves interpretation of variants in research participants for the purpose of population health screening. Participant phenotype was not available at the time of variant classification. Additional details can be found in publication PMID: 35346344, PMCID: PMC8962531

Color Diagnostics, LLC DBA Color Health
Classification: Uncertain significance for Familial thoracic aortic aneurysm and aortic dissection. Last evaluated: 2024-03-06. Review status: criteria provided, single submitter. Criteria: ACMG Guidelines, 2015. Collection method: clinical testing. Allele origin: germline.
Comment: This missense variant replaces valine with methionine at codon 1394 of the MYH11 protein. Computational prediction suggests that this variant may not impact protein structure and function (internally defined REVEL score threshold <= 0.5, PMID: 27666373). To our knowledge, functional studies have not been reported for this variant. This variant has not been reported in individuals affected with MYH11-related disorders in the literature. This variant has been identified in 5/282548 chromosomes in the general population by the Genome Aggregation Database (gnomAD). The available evidence is insufficient to determine the role of this variant in disease conclusively. Therefore, this variant is classified as a Variant of Uncertain Significance.

GeneDx
Classification: Uncertain significance. Last evaluated: 2022-11-10. Review status: criteria provided, single submitter. Criteria: GeneDx Variant Classification Process June 2021. Collection method: clinical testing. Allele origin: germline. Affected: yes.
Comment: Not observed at a significant frequency in large population cohorts (gnomAD); In silico analysis supports that this missense variant does not alter protein structure/function; Has not been previously published as pathogenic or benign to our knowledge

NM_002474.3(MYH11):c.4159G>A (p.Val1387Met)

Genes: NDE1 (nudE neurodevelopment protein 1; plus strand), MYH11 (myosin heavy chain 11; minus strand). Cytogenetic location: 16p13.11.
Variant type: single nucleotide variant.
Coding change: c.4159G>A on transcript NM_002474.3 (MANE Select); coding-DNA position 4159, G replaced by A.
Protein change: p.Val1387Met; replaces valine 1387 with methionine.
Molecular consequence: missense variant. On other transcripts: 3 prime UTR variant (2).
Genome position (GRCh38, 1-based): chr16:15,724,367, C>T on the plus strand (G>A on the coding strand, the complement: MYH11 is on the minus strand). VCF-style: chr16-15724367-C-T. GRCh37 (hg19) VCF-style: chr16-15818224-C-T.
Other names: c.4180G>A, p.Val1394Met (NM_001040113.2, NM_001040114.2); c.4159G>A, p.Val1387Met (NM_022844.3); c.*116C>T (NM_001143979.2, NM_017668.3); short protein forms V1394M, V1387M.
Identifiers: ClinVar variation 843816 (VCV000843816.18), dbSNP rs773946923, ClinGen allele CA7921746.
Genomic context (GRCh38, chr16:15,724,367, plus strand): 5'-GCTGGGTGAGGTTCTCGATCTCCTTCTGGAACCTCTTCTTCCCCTCTTCCAGAGCTTCCA[C>T]GGTGCTGGCAAAGTCCTGCAGCTTCTTCTTCGAGTCGGAGAGCTACAAGGACAGCGTCCA-3'
Protein context (NP_002465.1, residues 1377-1397): KKKLQDFAST[Val1387Met]EALEEGKKRF